The following is an entry in ClinVar:

NM_000541.5(SAG):c.327G>T (p.Glu109Asp)

Gene: SAG (S-antigen visual arrestin; plus strand). Cytogenetic location: 2q37.1.
Variant type: single nucleotide variant.
Coding change: c.327G>T on transcript NM_000541.5 (MANE Select); coding-DNA position 327, G replaced by T.
Protein change: p.Glu109Asp; replaces glutamic acid 109 with aspartic acid.
Molecular consequence: missense variant.
Genome position (GRCh38, 1-based): chr2:233,320,775, G>T. VCF-style: chr2-233320775-G-T. GRCh37 (hg19) VCF-style: chr2-234229421-G-T.
Other names: short protein forms E109D.
Identifiers: ClinVar variation 1983113 (VCV001983113.4), dbSNP rs145199285, ClinGen allele CA67542400.

ClinVar aggregate classification (germline): Uncertain significance (1 of 4 stars; one submission).

gnomAD v4.1: 1 of 1,606,482 alleles (0.000062%); highest among the groups gnomAD compares: African/African-American, 0.0013%; no homozygotes.

Submission:

Labcorp Genetics (formerly Invitae), Labcorp
Classification: Uncertain significance. Last evaluated: 2023-08-28. Review status: criteria provided, single submitter. Criteria: Invitae Variant Classification Sherloc (09022015). Collection method: clinical testing. Allele origin: germline.
Comment: This variant is not present in population databases (gnomAD no frequency). This variant has not been reported in the literature in individuals affected with SAG-related conditions. ClinVar contains an entry for this variant (Variation ID: 1983113). Advanced modeling of protein sequence and biophysical properties (such as structural, functional, and spatial information, amino acid conservation, physicochemical variation, residue mobility, and thermodynamic stability) performed at Invitae indicates that this missense variant is not expected to disrupt SAG protein function. In summary, the available evidence is currently insufficient to determine the role of this variant in disease. Therefore, it has been classified as a Variant of Uncertain Significance. This sequence change replaces glutamic acid, which is acidic and polar, with aspartic acid, which is acidic and polar, at codon 109 of the SAG protein (p.Glu109Asp).